The following is an entry in ClinVar:

ClinVar aggregate classification (germline): Pathogenic (1 of 4 stars; one submission).

Conditions:
Familial cancer of breast. Also called: hereditary breast carcinoma; BREAST CANCER, FAMILIAL; Hereditary breast cancer. Identifiers: Orphanet 227535, MedGen C0346153, MONDO:0016419, OMIM 114480. Disease mechanism: loss of function.

Submission:

Labcorp Genetics (formerly Invitae), Labcorp
Classification: Pathogenic for Familial cancer of breast. Last evaluated: 2021-11-12. Review status: criteria provided, single submitter. Criteria: Invitae Variant Classification Sherloc (09022015). Collection method: clinical testing. Allele origin: germline.
Comment: This variant is a gross deletion of the genomic region encompassing exon(s) 3-11 of the BARD1 gene, which includes the termination codon. This deletion extends beyond the assayed region for this gene and therefore may encompass additional genes. While this deletion is not anticipated to lead to nonsense mediated decay, it is expected to alter mRNA translation or result in a truncated protein product. This variant has not been reported in the literature in individuals affected with BARD1-related conditions. This variant disrupts a region of the BARD1 protein in which other variant(s) (Deletion (Exons 7-11)) have been determined to be pathogenic (PMID: 17848578). This suggests that this is a clinically significant region of the protein, and that variants that disrupt it are likely to be disease-causing. For these reasons, this variant has been classified as Pathogenic.

Literature cited by the submitters: PubMed 17848578.

NC_000002.11:g.(?_215593400)_(215657179_?)del

Gene: BARD1 (BRCA1 associated RING domain 1; minus strand). Cytogenetic location: 2q35.
Variant type: Deletion.
Identifiers: ClinVar variation 1070151 (VCV001070151.4).